The following is an entry in ClinVar:

NM_005633.4(SOS1):c.1175C>T (p.Ser392Phe)

Gene: SOS1 (SOS Ras/Rac guanine nucleotide exchange factor 1; minus strand). Cytogenetic location: 2p22.1.
Variant type: single nucleotide variant.
Coding change: c.1175C>T on transcript NM_005633.4 (MANE Select); coding-DNA position 1175, C replaced by T.
Protein change: p.Ser392Phe; replaces serine 392 with phenylalanine.
Molecular consequence: missense variant.
Genome position (GRCh38, 1-based): chr2:39,024,037, G>A on the plus strand (C>T on the coding strand, the complement: SOS1 is on the minus strand). VCF-style: chr2-39024037-G-A. GRCh37 (hg19) VCF-style: chr2-39251178-G-A.
Other names: c.1154C>T, p.Ser385Phe (NM_001382394.1); c.1175C>T, p.Ser392Phe (NM_001382395.1); short protein forms S385F, S392F.
Identifiers: ClinVar variation 2040875 (VCV002040875.4), dbSNP rs749523988, ClinGen allele CA346366792.

ClinVar aggregate classification (germline): Uncertain significance (1 of 4 stars; one submission).

Conditions:
RASopathy. Also called: rasopathies; Noonan spectrum disorder. Identifiers: Orphanet 536391, MedGen C5555857, MONDO:0021060.

Submission:

Labcorp Genetics (formerly Invitae), Labcorp
Classification: Uncertain significance for RASopathy. Last evaluated: 2022-04-06. Review status: criteria provided, single submitter. Criteria: Invitae Variant Classification Sherloc (09022015). Collection method: clinical testing. Allele origin: germline.
Comment: This variant is not present in population databases (gnomAD no frequency). This sequence change replaces serine, which is neutral and polar, with phenylalanine, which is neutral and non-polar, at codon 392 of the SOS1 protein (p.Ser392Phe). Advanced modeling of protein sequence and biophysical properties (such as structural, functional, and spatial information, amino acid conservation, physicochemical variation, residue mobility, and thermodynamic stability) performed at Invitae indicates that this missense variant is expected to disrupt SOS1 protein function. In summary, the available evidence is currently insufficient to determine the role of this variant in disease. Therefore, it has been classified as a Variant of Uncertain Significance. This variant has not been reported in the literature in individuals affected with SOS1-related conditions.